The following is an entry in ClinVar:

ClinVar aggregate classification (germline): Uncertain significance. Review status: criteria provided, multiple submitters, no conflicts (2 of 4 stars). 2 submissions from 2 submitters: Uncertain significance (2). Last evaluated 2025-05-07.

Conditions:
HIVEP1-related disorder. Also called: HIVEP1-related condition.

Allele frequency attached by ClinVar (database versions not stated): gnomAD 0.00002; TOPMed 0.00006.
gnomAD v4.1: 5 of 1,614,084 alleles (0.00031%); highest among the groups gnomAD compares: Admixed American, 0.0067%; no homozygotes.

Submissions (2):

Ambry Genetics
Classification: Uncertain significance. Last evaluated: 2025-05-07. Review status: criteria provided, single submitter. Criteria: Ambry Variant Classification Scheme 2023. Collection method: clinical testing. Allele origin: germline.

PreventionGenetics, part of Exact Sciences
Classification: Uncertain significance for HIVEP1-related condition. Last evaluated: 2022-11-19. Review status: criteria provided, single submitter. Criteria: ACMG Guidelines, 2015. Collection method: clinical testing. Allele origin: germline.
Comment: The HIVEP1 c.5896A>C variant is predicted to result in the amino acid substitution p.Thr1966Pro. To our knowledge, this variant has not been reported in the literature or in a large population database, indicating this variant is rare. At this time, the clinical significance of this variant is uncertain due to the absence of conclusive functional and genetic evidence.

NM_002114.4(HIVEP1):c.5896A>C (p.Thr1966Pro)

Gene: HIVEP1 (HIVEP zinc finger 1; plus strand). Cytogenetic location: 6p24.1.
Variant type: single nucleotide variant.
Coding change: c.5896A>C on transcript NM_002114.4 (MANE Select); coding-DNA position 5896, A replaced by C.
Protein change: p.Thr1966Pro; replaces threonine 1966 with proline.
Molecular consequence: missense variant.
Genome position (GRCh38, 1-based): chr6:12,125,691, A>C. VCF-style: chr6-12125691-A-C. GRCh37 (hg19) VCF-style: chr6-12125924-A-C.
Other names: c.5896A>C (NM_002114.2); short protein forms T1966P.
Identifiers: ClinVar variation 2635152 (VCV002635152.2), dbSNP rs1313467940, ClinGen allele CA362790637.
Genomic context (GRCh38, chr6:12,125,691, plus strand): 5'-TATCTCTTAAGGCAGAAGTCGTTGCATTTGCCTCAGAAGGACCAGAAAACTTCAGCCTAT[A>C]CTGATTGGACAGTAAGCGCCAGTAATCCAAATCCACTCGGTTTGCCCACAAAAGTTGCAC-3'
Protein context (NP_002105.3, residues 1956-1976): PQKDQKTSAY[Thr1966Pro]DWTVSASNPN